The following is an entry in ClinVar:

ClinVar aggregate classification (germline): Pathogenic. Review status: criteria provided, multiple submitters, no conflicts (2 of 4 stars). 2 submissions from 2 submitters: Pathogenic (2). Last evaluated 2025-09-23.

Conditions:
Neurofibromatosis, type 1 (NF1). Also called: Neurofibromatosis, type I; Peripheral type neurofibromatosis; VON RECKLINGHAUSEN DISEASE; NEUROFIBROMATOSIS, TYPE I, SOMATIC. Identifiers: Orphanet 636, MedGen C0027831, MONDO:0018975, OMIM 162200. Disease mechanism: loss of function.

Submissions (2):

Labcorp Genetics (formerly Invitae), Labcorp
Classification: Pathogenic for Neurofibromatosis, type 1. Last evaluated: 2025-09-23. Review status: criteria provided, single submitter. Criteria: Invitae Variant Classification Sherloc (09022015). Collection method: clinical testing. Allele origin: germline.
Comment: This sequence change creates a premature translational stop signal (p.Met693Valfs*6) in the NF1 gene. It is expected to result in an absent or disrupted protein product. Loss-of-function variants in NF1 are known to be pathogenic (PMID: 10712197, 23913538). This variant is not present in population databases (gnomAD no frequency). This premature translational stop signal has been observed in individual(s) with neurofibromatosis type 1 (PMID: 12807981). ClinVar contains an entry for this variant (Variation ID: 439988). For these reasons, this variant has been classified as Pathogenic.

ARUP Laboratories, Molecular Genetics and Genomics, ARUP Laboratories
Classification: Pathogenic. Last evaluated: 2016-11-30. Review status: criteria provided, single submitter. Criteria: ARUP Molecular Germline Variant Investigation Process. Collection method: clinical testing. Allele origin: germline.

Literature cited by the submitters: PubMed 10712197 (cited by Labcorp Genetics (formerly Invitae), Labcorp); PubMed 23913538 (cited by Labcorp Genetics (formerly Invitae), Labcorp); PubMed 12807981 (cited by Labcorp Genetics (formerly Invitae), Labcorp).

NM_001042492.3(NF1):c.2077_2078del (p.Met693fs)

Gene: NF1 (neurofibromin 1; plus strand). Cytogenetic location: 17q11.2.
Variant type: Deletion.
Coding change: c.2077_2078del on transcript NM_001042492.3 (MANE Select); coding-DNA positions 2077 to 2078, 2 bases deleted (AT; older notation c.2077_2078delAT).
Protein change: p.Met693fs; shifts the reading frame from methionine 693.
Molecular consequence: frameshift variant.
Genome position (GRCh38, 1-based): chr17:31,226,510-31,226,511, AT deleted. VCF-style (leftmost placement, unchanged base first): chr17-31226509-CAT-C. GRCh37 (hg19) VCF-style: chr17-29553527-CAT-C.
Other names: c.2077_2078delAT (NM_000267.3); c.2077_2078delAT, p.Met693Valfs (NM_000267.4); short protein forms M693fs.
Identifiers: ClinVar variation 439988 (VCV000439988.11), dbSNP rs1555613795, ClinGen allele CA645509503.